The following is an entry in ClinVar:

ClinVar aggregate classification (germline): Likely benign (1 of 4 stars; one submission).

gnomAD v4.1: 3 of 1,614,058 alleles (0.00019%); highest among the groups gnomAD compares: African/African-American, 0.0013%; no homozygotes.

Submission:

CeGaT Center for Human Genetics Tuebingen
Classification: Likely benign. Last evaluated: 2025-12-01. Review status: criteria provided, single submitter. Criteria: CeGaT Center For Human Genetics Tuebingen Variant Classification Criteria Version 2. Collection method: clinical testing. Allele origin: germline. Affected: yes. Observed: 1 variant allele.
Comment: KANK1: BP4, BP7

NM_015158.5(KANK1):c.2715T>C (p.Tyr905=)

Gene: KANK1 (KN motif and ankyrin repeat domains 1; plus strand). Cytogenetic location: 9p24.3.
Variant type: single nucleotide variant.
Coding change: c.2715T>C on transcript NM_015158.5 (MANE Select); coding-DNA position 2715, T replaced by C.
Protein change: p.Tyr905=; no amino-acid change (tyrosine 905 retained).
Molecular consequence: synonymous variant. On other transcripts: non-coding transcript variant (1).
Genome position (GRCh38, 1-based): chr9:730,067, T>C. VCF-style: chr9-730067-T-C. GRCh37 (hg19) VCF-style: chr9-730067-T-C.
Other names: c.2715T>C, p.Tyr905= (NM_001256876.3, NM_001256877.3, NM_001354331.2 and 3 more transcripts); c.2241T>C, p.Tyr747= (NM_001354333.2, NM_001354335.2, NM_001354336.2 and 10 more transcripts).
Identifiers: ClinVar variation 4682068 (VCV004682068.5).
Genomic context (GRCh38, chr9:730,067, plus strand): 5'-CAGTCCTAGCATCACACACTCTGTACCTTTCTTTTTCCTGATAGGCAATTATTTGGGATA[T>C]ACCTGTAAGTGTGGGGGCCTTCAGTCAGGAAGTCCCTTAAGCTCCCAGACATCCCAGCCT-3'
Protein context (NP_055973.2, residues 895-915): LGKITGNYLG[Tyr905=]TCKCGGLQSG